The following is an entry in ClinVar:

ClinVar aggregate classification (germline): Likely pathogenic (1 of 4 stars; one submission).

Conditions:
Hereditary cancer-predisposing syndrome. Also called: Hereditary neoplastic syndrome; Neoplastic Syndromes, Hereditary; Tumor predisposition; Hereditary Cancer Syndrome. Identifiers: Orphanet 140162, MedGen C0027672, MeSH D009386, MONDO:0015356.

Submission:

Ambry Genetics
Classification: Likely pathogenic for Hereditary cancer-predisposing syndrome. Last evaluated: 2025-07-23. Review status: criteria provided, single submitter. Criteria: Ambry Variant Classification Scheme 2023. Collection method: clinical testing. Allele origin: germline.
Comment: The c.3814dupT variant, located in coding exon 15 of the APC gene, results from a duplication of T at nucleotide position 3814, causing a translational frameshift with a predicted alternate stop codon (p.S1272Ffs*4). This alteration occurs at the 3' terminus of theAPC gene, is not expected to trigger nonsense-mediated mRNA decay, and impacts the last 55% of the protein. However, premature stop codons are typically deleterious in nature, the impacted region is critical for protein function, and a significant portion of the protein is affected (Ambry internal data). This variant is considered to be rare based on population cohorts in the Genome Aggregation Database (gnomAD). Based on the majority of available evidence to date, this variant is likely to be pathogenic.

NM_000038.6(APC):c.3814dup (p.Ser1272fs)

Gene: APC (APC regulator of Wnt signaling pathway; plus strand). Cytogenetic location: 5q22.2.
Variant type: Duplication.
Coding change: c.3814dup on transcript NM_000038.6 (MANE Select); coding-DNA position 3814, one base duplicated (T; older notation c.3814dupT).
Protein change: p.Ser1272fs; shifts the reading frame from serine 1272.
Molecular consequence: frameshift variant. On other transcripts: non-coding transcript variant (2).
Genome position (GRCh38, 1-based): chr5:112,839,408, T duplicated; the last of 5 consecutive T bases (chr5:112,839,404-112,839,408); duplicating any one gives the same sequence. VCF-style (leftmost placement, unchanged base first): chr5-112839403-G-GT. GRCh37 (hg19) VCF-style: chr5-112175100-G-GT.
Other names: c.3898dup, p.Ser1300fs (NM_001407446.1); c.3868dup, p.Ser1290fs (NM_001407447.1, NM_001407448.1, NM_001407449.1 and 1 more transcripts); c.3814dup, p.Ser1272fs (NM_001407450.1, NM_001127510.3, NM_001354895.2); c.3793dup, p.Ser1265fs (NM_001407451.1); c.3784dup, p.Ser1262fs (NM_001407452.1); c.3637dup, p.Ser1213fs (NM_001407453.1, NM_001354901.2); c.3565dup, p.Ser1189fs (NM_001407454.1, NM_001407455.1, NM_001407456.1 and 1 more transcripts); c.3760dup, p.Ser1254fs (NM_001127511.3); and 11 more; short protein forms S1146fs, S1231fs, S1244fs, S1254fs, S1282fs, S1290fs, S1112fs, S1143fs.
Identifiers: ClinVar variation 4119594 (VCV004119594.1).